The following is an entry in ClinVar:

ClinVar aggregate classification (germline): Pathogenic (1 of 4 stars; one submission).

Conditions:
Developmental and epileptic encephalopathy, 9 (DEE9). Also called: Early infantile epileptic encephalopathy 9; EPILEPSY, FEMALE-RESTRICTED, WITH MENTAL RETARDATION; PCDH19-Related X-Linked Female-Limited Epilepsy with Mental Retardation; JUBERG-HELLMAN SYNDROME. Identifiers: Orphanet 101039, Orphanet 2076, MedGen C1848137, MONDO:0010246, OMIM 300088. Disease mechanism: loss of function.

Submission:

Labcorp Genetics (formerly Invitae), Labcorp
Classification: Pathogenic for Developmental and epileptic encephalopathy, 9. Last evaluated: 2025-09-02. Review status: criteria provided, single submitter. Criteria: Invitae Variant Classification Sherloc (09022015). Collection method: clinical testing. Allele origin: germline.
Comment: This sequence change creates a premature translational stop signal (p.Gln317*) in the PCDH19 gene. It is expected to result in an absent or disrupted protein product. Loss-of-function variants in PCDH19 are known to be pathogenic (PMID: 21053371). This variant is not present in population databases (gnomAD no frequency). This premature translational stop signal has been observed in individual(s) with clinical features of PCDH19-related conditions (PMID: 22050978, 28102150). ClinVar contains an entry for this variant (Variation ID: 1411887). For these reasons, this variant has been classified as Pathogenic.

Literature cited by the submitters: PubMed 21053371; PubMed 22050978; PubMed 28102150.

NM_001184880.2(PCDH19):c.949C>T (p.Gln317Ter)

Gene: PCDH19 (protocadherin 19; minus strand). Cytogenetic location: Xq22.1.
Variant type: single nucleotide variant.
Coding change: c.949C>T on transcript NM_001184880.2 (MANE Select); coding-DNA position 949, C replaced by T.
Protein change: p.Gln317Ter; replaces glutamine 317 with a stop codon.
Molecular consequence: nonsense.
Genome position (GRCh38, 1-based): chrX:100,407,649, G>A on the plus strand (C>T on the coding strand, the complement: PCDH19 is on the minus strand). VCF-style: chrX-100407649-G-A. GRCh37 (hg19) VCF-style: chrX-99662647-G-A.
Other names: c.949C>T, p.Gln317Ter (NM_001105243.2, NM_020766.3); short protein forms Q317*.
Identifiers: ClinVar variation 1411887 (VCV001411887.8), dbSNP rs2147540086, ClinGen allele CA414004942.